The following is an entry in ClinVar:

NM_020708.5(SLC12A5):c.1402G>A (p.Glu468Lys)

Gene: SLC12A5 (solute carrier family 12 member 5; plus strand). Cytogenetic location: 20q13.12.
Variant type: single nucleotide variant.
Coding change: c.1402G>A on transcript NM_020708.5 (MANE Select); coding-DNA position 1402, G replaced by A.
Protein change: p.Glu468Lys; replaces glutamic acid 468 with lysine.
Molecular consequence: missense variant.
Genome position (GRCh38, 1-based): chr20:46,044,973, G>A. VCF-style: chr20-46044973-G-A. GRCh37 (hg19) VCF-style: chr20-44673612-G-A.
Other names: c.1471G>A, p.Glu491Lys (NM_001134771.2); short protein forms E468K, E491K.
Identifiers: ClinVar variation 1431369 (VCV001431369.3), dbSNP rs564134718, ClinGen allele CA9887348.

ClinVar aggregate classification (germline): Uncertain significance (1 of 4 stars; one submission).

Conditions:
Developmental and epileptic encephalopathy, 34 (DEE34). Also called: SLC12A5-Related Epilepsy of Infancy with Migrating Focal Seizures; Early infantile epileptic encephalopathy 34. Identifiers: Orphanet 293181, MedGen C4225257, MONDO:0014718, OMIM 616645.

Allele frequency attached by ClinVar (database versions not stated): ExAC 0.00001; gnomAD 0.00001; gnomAD exomes 0.00001; TOPMed 0.00001; 1000 Genomes Project 30x 0.00016; 1000 Genomes Project 0.00020.
gnomAD v4.1: 5 of 1,614,200 alleles (0.00031%); highest among the groups gnomAD compares: Admixed American, 0.0017%; no homozygotes.

Submission:

Labcorp Genetics (formerly Invitae), Labcorp
Classification: Uncertain significance for Developmental and epileptic encephalopathy, 34. Last evaluated: 2021-08-05. Review status: criteria provided, single submitter. Criteria: Invitae Variant Classification Sherloc (09022015). Collection method: clinical testing. Allele origin: germline.
Comment: This sequence change replaces glutamic acid with lysine at codon 468 of the SLC12A5 protein (p.Glu468Lys). The glutamic acid residue is moderately conserved and there is a small physicochemical difference between glutamic acid and lysine. This variant is present in population databases (rs564134718, ExAC 0.01%). This variant has not been reported in the literature in individuals affected with SLC12A5-related conditions. Advanced modeling of protein sequence and biophysical properties (such as structural, functional, and spatial information, amino acid conservation, physicochemical variation, residue mobility, and thermodynamic stability) performed at Invitae indicates that this missense variant is not expected to disrupt SLC12A5 protein function. In summary, the available evidence is currently insufficient to determine the role of this variant in disease. Therefore, it has been classified as a Variant of Uncertain Significance.